The following is an entry in ClinVar:

ClinVar aggregate classification (germline): Conflicting classifications of pathogenicity. Review status: criteria provided, conflicting classifications (1 of 4 stars). 3 submissions from 3 submitters: Uncertain significance (2); Likely benign (1). Last evaluated 2025-06-12.

Conditions:
Charcot-Marie-Tooth disease dominant intermediate E. Also called: CHARCOT-MARIE-TOOTH NEUROPATHY WITH FOCAL SEGMENTAL GLOMERULONEPHRITIS. Identifiers: Orphanet 93114, MedGen C4302667, MONDO:0013758, OMIM 614455.
Focal segmental glomerulosclerosis 5 (FSGS5). Identifiers: Orphanet 656, MedGen C2750475, MONDO:0013191, OMIM 613237.

Allele frequency attached by ClinVar (database versions not stated): gnomAD 0.00007; 1000 Genomes Project 30x 0.00016; 1000 Genomes Project 0.00020.
gnomAD v4.1: 23 of 1,604,074 alleles (0.0014%); highest among the groups gnomAD compares: African/African-American, 0.029%; no homozygotes.

Submissions (3):

Labcorp Genetics (formerly Invitae), Labcorp
Classification: Likely benign for Charcot-Marie-Tooth disease dominant intermediate E; Focal segmental glomerulosclerosis 5. Last evaluated: 2025-06-12. Review status: criteria provided, single submitter. Criteria: Invitae Variant Classification Sherloc (09022015). Collection method: clinical testing. Allele origin: germline.

Clinical Genomics Laboratory, Washington University in St. Louis
Classification: Uncertain significance for Focal segmental glomerulosclerosis 5. Last evaluated: 2024-07-24. Review status: criteria provided, single submitter. Criteria: ACMG Guidelines, 2015. Collection method: clinical testing. Allele origin: germline.
Comment: An INF2 c.3241G>T (p.Asp1081Tyr) variant was identified. This variant has been reported in an individual affected with nephrotic syndrome (Sampson M et al., PMID: 26215859). This variant is observed on 7/260,208 alleles in the general population (gnomAD v2.1.1). This variant has been reported in the ClinVar database as a likely benign variant by one submitter (ClinVar Variation ID: 2041335). Computational predictors are uncertain as to the impact of this variant on INF2 function. Due to limited information, and based on ACMG/AMP guidelines for variant interpretation (Richards S et al., PMID: 25741868), the clinical significance of the INF2 c.3241G>T (p.Asp1081Tyr) variant is uncertain at this time.

Fulgent Genetics
Classification: Uncertain significance for Focal segmental glomerulosclerosis 5; Charcot-Marie-Tooth disease dominant intermediate E. Last evaluated: 2024-03-02. Review status: criteria provided, single submitter. Criteria: ACMG Guidelines, 2015. Collection method: clinical testing. Allele origin: germline.

NM_022489.4(INF2):c.3241G>T (p.Asp1081Tyr)

Gene: INF2 (inverted formin 2; plus strand). Cytogenetic location: 14q32.33.
Variant type: single nucleotide variant.
Coding change: c.3241G>T on transcript NM_022489.4 (MANE Select); coding-DNA position 3241, G replaced by T.
Protein change: p.Asp1081Tyr; replaces aspartic acid 1081 with tyrosine.
Molecular consequence: missense variant.
Genome position (GRCh38, 1-based): chr14:104,714,403, G>T. VCF-style: chr14-104714403-G-T. GRCh37 (hg19) VCF-style: chr14-105180740-G-T.
Other names: c.3241G>T, p.Asp1081Tyr (NM_001031714.4); short protein forms D1081Y.
Identifiers: ClinVar variation 2041335 (VCV002041335.6), dbSNP rs571986941, ClinGen allele CA7373211.